The following is an entry in ClinVar:

ClinVar aggregate classification (germline): Benign. Review status: criteria provided, multiple submitters, no conflicts (2 of 4 stars). 7 submissions from 7 submitters: Benign (6). 1 of the submissions does not count toward it. Last evaluated 2026-02-04.

Conditions:
Donnai-Barrow syndrome. Also called: DBS/FOAR SYNDROME; FACIOOCULOACOUSTICORENAL SYNDROME. Identifiers: Orphanet 2143, MedGen C1857277, MONDO:0009104, OMIM 222448.

Allele frequency attached by ClinVar (database versions not stated): gnomAD exomes 0.00454; ExAC 0.00567; gnomAD 0.01826 and 0.01962; ESP Exome Variant Server 0.01953; TOPMed 0.02024; 1000 Genomes Project 0.02137; 1000 Genomes Project 30x 0.02202.
gnomAD v4.1: 5,474 of 1,613,842 alleles (0.34%); highest among the groups gnomAD compares: African/African-American, 6.3%; 139 homozygotes.

Submissions (7):

Labcorp Genetics (formerly Invitae), Labcorp
Classification: Benign. Last evaluated: 2026-02-04. Review status: criteria provided, single submitter. Criteria: Invitae Variant Classification Sherloc (09022015). Collection method: clinical testing. Allele origin: germline.

Mayo Clinic Laboratories, Mayo Clinic
Classification: Benign. Last evaluated: 2023-04-10. Review status: criteria provided, single submitter. Criteria: ACMG Guidelines, 2015. Collection method: clinical testing. Allele origin: germline. Observed: 3 variant alleles.

Genome-Nilou Lab
Classification: Benign for Donnai-Barrow syndrome. Last evaluated: 2021-07-15. Review status: criteria provided, single submitter. Criteria: ACMG Guidelines, 2015. Collection method: clinical testing. Allele origin: germline. Affected: no.

GeneDx
Classification: Benign. Last evaluated: 2020-03-14. Review status: criteria provided, single submitter. Criteria: GeneDx Variant Classification (06012015). Collection method: clinical testing. Allele origin: germline. Affected: yes.

Illumina Laboratory Services, Illumina
Classification: Benign for Donnai-Barrow syndrome. Last evaluated: 2018-01-12. Review status: criteria provided, single submitter. Criteria: ICSL Variant Classification Criteria 13 December 2019. Collection method: clinical testing. Allele origin: germline.
Comment: This variant was observed in the ICSL laboratory as part of a predisposition screen in an ostensibly healthy population. It had not been previously curated by ICSL or reported in the Human Gene Mutation Database (HGMD: prior to June 1st, 2018), and was therefore a candidate for classification through an automated scoring system. Utilizing variant allele frequency, disease prevalence and penetrance estimates, and inheritance mode, an automated score was calculated to assess if this variant is too frequent to cause the disease. Based on the score and internal cut-off values, a variant classified as benign is not then subjected to further curation. The score for this variant resulted in a classification of benign for this disease.

Breakthrough Genomics
Classification: Benign. Review status: criteria provided, single submitter. Criteria: ACMG Guidelines, 2015. Collection method: not provided. Allele origin: germline. Inheritance: Autosomal recessive inheritance. Affected: yes.

Genetic Services Laboratory, University of Chicago
Classification: Likely benign for AllHighlyPenetrant. Review status: no assertion criteria provided. Collection method: clinical testing. Allele origin: germline. Inheritance: Autosomal recessive inheritance. Not counted in ClinVar's aggregate classification.
Comment: Likely benign based on allele frequency in 1000 Genomes Project or ESP global frequency and its presence in a patient with a rare or unrelated disease phenotype. NOT Sanger confirmed.

NM_004525.3(LRP2):c.6045C>T (p.Ala2015=)

Gene: LRP2 (LDL receptor related protein 2; minus strand). Cytogenetic location: 2q31.1.
Variant type: single nucleotide variant.
Coding change: c.6045C>T on transcript NM_004525.3 (MANE Select); coding-DNA position 6045, C replaced by T.
Protein change: p.Ala2015=; no amino-acid change (alanine 2015 retained).
Molecular consequence: synonymous variant.
Genome position (GRCh38, 1-based): chr2:169,212,203, G>A on the plus strand (C>T on the coding strand, the complement: LRP2 is on the minus strand). VCF-style: chr2-169212203-G-A. GRCh37 (hg19) VCF-style: chr2-170068713-G-A.
Other names: p.Ala2015=.
Identifiers: ClinVar variation 129531 (VCV000129531.23), dbSNP rs34834388, ClinGen allele CA153599.